The following is an entry in ClinVar:

NM_001378609.3(OTOGL):c.2986G>A (p.Asp996Asn)

Gene: OTOGL (otogelin like; plus strand). Cytogenetic location: 12q21.31.
Variant type: single nucleotide variant.
Coding change: c.2986G>A on transcript NM_001378609.3 (MANE Select); coding-DNA position 2986, G replaced by A.
Protein change: p.Asp996Asn; replaces aspartic acid 996 with asparagine.
Molecular consequence: missense variant. On other transcripts: intron variant (1).
Genome position (GRCh38, 1-based): chr12:80,296,884, G>A. VCF-style: chr12-80296884-G-A. GRCh37 (hg19) VCF-style: chr12-80690664-G-A.
Other names: c.2986G>A, p.Asp996Asn (NM_001378610.3, NM_173591.7); c.2929-5750G>A (NM_001368062.3); short protein forms D987N, D996N.
Identifiers: ClinVar variation 805112 (VCV000805112.3), dbSNP rs148362257, ClinGen allele CA6700946.

ClinVar aggregate classification (germline): Uncertain significance. Review status: criteria provided, multiple submitters, no conflicts (2 of 4 stars). 2 submissions from 2 submitters: Uncertain significance (2). Last evaluated 2021-06-04.

Allele frequency attached by ClinVar (database versions not stated): ExAC below 0.00001; gnomAD exomes 0.00001 and 0.00002; gnomAD 0.00004 and 0.00006; 1000 Genomes Project 30x 0.00047; 1000 Genomes Project 0.00060; TOPMed 0.00005.
gnomAD v4.1: 45 of 1,531,050 alleles (0.0029%); highest among the groups gnomAD compares: Middle Eastern, 0.12%; no homozygotes.

Submissions (2):

GeneDx
Classification: Uncertain significance. Last evaluated: 2021-06-04. Review status: criteria provided, single submitter. Criteria: GeneDx Variant Classification Process June 2021. Collection method: clinical testing. Allele origin: germline. Affected: yes.
Comment: Not observed at significant frequency in large population cohorts (Lek et al., 2016); In silico analysis supports that this missense variant does not alter protein structure/function; Has not been previously published as pathogenic or benign to our knowledge; This variant is associated with the following publications: (PMID: 27535533)

Athena Diagnostics
Classification: Uncertain significance. Last evaluated: 2019-07-17. Review status: criteria provided, single submitter. Criteria: Athena Diagnostics Criteria. Collection method: clinical testing. Allele origin: germline.